The following is an entry in ClinVar:

ClinVar aggregate classification (germline): Uncertain significance (1 of 4 stars; one submission).

Submission:

Labcorp Genetics (formerly Invitae), Labcorp
Classification: Uncertain significance. Last evaluated: 2021-08-31. Review status: criteria provided, single submitter. Criteria: Invitae Variant Classification Sherloc (09022015). Collection method: clinical testing. Allele origin: germline.
Comment: This sequence change replaces arginine with lysine at codon 194 of the C8B protein (p.Arg194Lys). The arginine residue is highly conserved and there is a small physicochemical difference between arginine and lysine. This variant is not present in population databases (ExAC no frequency). This variant has not been reported in the literature in individuals affected with C8B-related conditions. Algorithms developed to predict the effect of missense changes on protein structure and function output the following: SIFT: "Tolerated"; PolyPhen-2: "Benign"; Align-GVGD: "Class C0". The lysine amino acid residue is found in multiple mammalian species, which suggests that this missense change does not adversely affect protein function. In summary, the available evidence is currently insufficient to determine the role of this variant in disease. Therefore, it has been classified as a Variant of Uncertain Significance.

NM_000066.4(C8B):c.581G>A (p.Arg194Lys)

Gene: C8B (complement C8 beta chain; minus strand). Cytogenetic location: 1p32.2.
Variant type: single nucleotide variant.
Coding change: c.581G>A on transcript NM_000066.4 (MANE Select); coding-DNA position 581, G replaced by A.
Protein change: p.Arg194Lys; replaces arginine 194 with lysine.
Molecular consequence: missense variant.
Genome position (GRCh38, 1-based): chr1:56,952,133, C>T on the plus strand (G>A on the coding strand, the complement: C8B is on the minus strand). VCF-style: chr1-56952133-C-T. GRCh37 (hg19) VCF-style: chr1-57417806-C-T.
Other names: c.425G>A, p.Arg142Lys (NM_001278543.2); c.395G>A, p.Arg132Lys (NM_001278544.2); short protein forms R194K, R132K, R142K.
Identifiers: ClinVar variation 1385783 (VCV001385783.5), dbSNP rs866480176, ClinGen allele CA340509422.